The following is an entry in ClinVar:

ClinVar aggregate classification (germline): Uncertain significance (1 of 4 stars; one submission).

Conditions:
Hypertrophic cardiomyopathy. Also called: HYPERTROPHIC MYOCARDIOPATHY. Identifiers: Orphanet 217569, MedGen C0007194, MeSH D002312, MONDO:0005045, HP:0001639.

Allele frequency attached by ClinVar (database versions not stated): gnomAD exomes below 0.00001 and 0.00001; gnomAD 0.00002 and 0.00003; TOPMed 0.00003.
gnomAD v4.1: 19 of 1,613,622 alleles (0.0012%); highest among the groups gnomAD compares: African/African-American, 0.008%; no homozygotes.

Submission:

Labcorp Genetics (formerly Invitae), Labcorp
Classification: Uncertain significance for Hypertrophic cardiomyopathy. Last evaluated: 2024-01-04. Review status: criteria provided, single submitter. Criteria: Invitae Variant Classification Sherloc (09022015). Collection method: clinical testing. Allele origin: germline.
Comment: This sequence change replaces arginine, which is basic and polar, with cysteine, which is neutral and slightly polar, at codon 284 of the MYOM1 protein (p.Arg284Cys). This variant is present in population databases (no rsID available, gnomAD 0.007%). This variant has not been reported in the literature in individuals affected with MYOM1-related conditions. ClinVar contains an entry for this variant (Variation ID: 959892). Advanced modeling of protein sequence and biophysical properties (such as structural, functional, and spatial information, amino acid conservation, physicochemical variation, residue mobility, and thermodynamic stability) performed at Invitae indicates that this missense variant is not expected to disrupt MYOM1 protein function with a negative predictive value of 80%. In summary, the available evidence is currently insufficient to determine the role of this variant in disease. Therefore, it has been classified as a Variant of Uncertain Significance.

NM_003803.4(MYOM1):c.850C>T (p.Arg284Cys)

Gene: MYOM1 (myomesin 1; minus strand). Cytogenetic location: 18p11.31.
Variant type: single nucleotide variant.
Coding change: c.850C>T on transcript NM_003803.4 (MANE Select); coding-DNA position 850, C replaced by T.
Protein change: p.Arg284Cys; replaces arginine 284 with cysteine.
Molecular consequence: missense variant.
Genome position (GRCh38, 1-based): chr18:3,187,559, G>A on the plus strand (C>T on the coding strand, the complement: MYOM1 is on the minus strand). VCF-style: chr18-3187559-G-A. GRCh37 (hg19) VCF-style: chr18-3187557-G-A.
Other names: c.850C>T, p.Arg284Cys (NM_019856.2); short protein forms R284C.
Identifiers: ClinVar variation 959892 (VCV000959892.9), dbSNP rs1001422774, ClinGen allele CA295516649.